The following is an entry in ClinVar:

ClinVar aggregate classification (germline): Uncertain significance (1 of 4 stars; one submission).

Conditions:
Atypical hemolytic-uremic syndrome. Identifiers: Orphanet 2134, MedGen C2931788, MONDO:0016244.
Factor H deficiency (CFHD). Also called: COMPLEMENT FACTOR H DEFICIENCY; CFH DEFICIENCY. Identifiers: Orphanet 200421, MedGen C0398777, MONDO:0012350, OMIM 609814.

gnomAD v4.1: 2 of 1,613,300 alleles (0.00012%); highest among the groups gnomAD compares: Non-Finnish European, 0.00017%; no homozygotes.

Submission:

Genomenon, Inc
Classification: Uncertain significance for Atypical hemolytic-uremic syndrome; Factor H deficiency. Last evaluated: 2026-09-17. Review status: criteria provided, single submitter. Criteria: Genomenon Sequence Variant Interpretation Standards - Updated. Collection method: curation. Allele origin: germline. Affected: yes.
Comment: CFH p.Asp187Val (c.560A>T) is a missense variant that changes the amino acid at codon 187 from aspartic acid to valine. This variant has been observed in at least one proband affected with a CFH-related disorder (PMID: 29888403). Functional studies have been reported (PMID: 34189567). It is absent or not present at a significant frequency in gnomAD. In silico models predict that this variant is not damaging. In conclusion, we classify CFH p.Asp187Val (c.560A>T) as a variant of uncertain significance.

Literature cited by the submitters: PubMed 29888403; PubMed 34189567.

NM_000186.4(CFH):c.560A>T (p.Asp187Val)

Gene: CFH (complement factor H; plus strand). Cytogenetic location: 1q31.3.
Variant type: single nucleotide variant.
Coding change: c.560A>T on transcript NM_000186.4 (MANE Select); coding-DNA position 560, A replaced by T.
Protein change: p.Asp187Val; replaces aspartic acid 187 with valine.
Molecular consequence: missense variant.
Genome position (GRCh38, 1-based): chr1:196,677,608, A>T. VCF-style: chr1-196677608-A-T. GRCh37 (hg19) VCF-style: chr1-196646738-A-T.
Other names: c.560A>T, p.Asp187Val (NM_001014975.3); short protein forms D187V.
Identifiers: ClinVar variation 4291296 (VCV004291296.2).